The following is an entry in ClinVar:

NM_001042492.3(NF1):c.7292T>G (p.Val2431Gly)

Gene: NF1 (neurofibromin 1; plus strand). Cytogenetic location: 17q11.2.
Variant type: single nucleotide variant.
Coding change: c.7292T>G on transcript NM_001042492.3 (MANE Select); coding-DNA position 7292, T replaced by G.
Protein change: p.Val2431Gly; replaces valine 2431 with glycine.
Molecular consequence: missense variant.
Genome position (GRCh38, 1-based): chr17:31,349,222, T>G. VCF-style: chr17-31349222-T-G. GRCh37 (hg19) VCF-style: chr17-29676240-T-G.
Other names: c.7229T>G, p.Val2410Gly (NM_000267.4); short protein forms V2410G, V2431G.
Identifiers: ClinVar variation 951727 (VCV000951727.9), dbSNP rs2070077893, ClinGen allele CA399016870.
Genomic context (GRCh38, chr17:31,349,222, plus strand): 5'-GAATTTTACATACACTACTAACTCTGGTTAACAAACACAGAAATTGTGACAAATTTGAAG[T>G]GAATACACAGAGCGTGGCCTACTTAGCAGGTAAAAACACAAAATAAACAAAATTAATCTT-3'
Protein context (NP_001035957.1, residues 2421-2441): NKHRNCDKFE[Val2431Gly]NTQSVAYLAA

ClinVar aggregate classification (germline): Uncertain significance. Review status: criteria provided, multiple submitters, no conflicts (2 of 4 stars). 2 submissions from 2 submitters: Uncertain significance (2). Last evaluated 2024-04-20.

Conditions:
Cardiovascular phenotype. Identifiers: MedGen CN230736.
Hereditary cancer-predisposing syndrome. Also called: Hereditary neoplastic syndrome; Tumor predisposition; Neoplastic Syndromes, Hereditary; Hereditary Cancer Syndrome. Identifiers: Orphanet 140162, MedGen C0027672, MeSH D009386, MONDO:0015356.
Neurofibromatosis, type 1 (NF1). Also called: VON RECKLINGHAUSEN DISEASE; NEUROFIBROMATOSIS, TYPE I, SOMATIC; Peripheral type neurofibromatosis; Neurofibromatosis, type I. Identifiers: Orphanet 636, MedGen C0027831, MONDO:0018975, OMIM 162200. Disease mechanism: loss of function.

Submissions (2):

Labcorp Genetics (formerly Invitae), Labcorp
Classification: Uncertain significance for Neurofibromatosis, type 1. Last evaluated: 2024-04-20. Review status: criteria provided, single submitter. Criteria: Invitae Variant Classification Sherloc (09022015). Collection method: clinical testing. Allele origin: germline.
Comment: This sequence change replaces valine, which is neutral and non-polar, with glycine, which is neutral and non-polar, at codon 2410 of the NF1 protein (p.Val2410Gly). This variant is not present in population databases (gnomAD no frequency). This variant has not been reported in the literature in individuals affected with NF1-related conditions. ClinVar contains an entry for this variant (Variation ID: 951727). Advanced modeling of protein sequence and biophysical properties (such as structural, functional, and spatial information, amino acid conservation, physicochemical variation, residue mobility, and thermodynamic stability) performed at Invitae indicates that this missense variant is expected to disrupt NF1 protein function with a positive predictive value of 95%. In summary, the available evidence is currently insufficient to determine the role of this variant in disease. Therefore, it has been classified as a Variant of Uncertain Significance.

Ambry Genetics
Classification: Uncertain significance for Cardiovascular phenotype; Hereditary cancer-predisposing syndrome. Last evaluated: 2021-06-15. Review status: criteria provided, single submitter. Criteria: Ambry Variant Classification Scheme 2023. Collection method: clinical testing. Allele origin: germline.
Comment: The p.V2410G variant (also known as c.7229T>G), located in coding exon 48 of the NF1 gene, results from a T to G substitution at nucleotide position 7229. The valine at codon 2410 is replaced by glycine, an amino acid with dissimilar properties. This amino acid position is highly conserved in available vertebrate species. In addition, the in silico prediction for this alteration is inconclusive. Since supporting evidence is limited at this time, the clinical significance of this alteration remains unclear.